The following is an entry in ClinVar:

NM_001130009.3(GEN1):c.632C>A (p.Pro211Gln)

Gene: GEN1 (GEN1 Holliday junction 5' flap endonuclease; plus strand). Cytogenetic location: 2p24.2.
Variant type: single nucleotide variant.
Coding change: c.632C>A on transcript NM_001130009.3 (MANE Select); coding-DNA position 632, C replaced by A.
Protein change: p.Pro211Gln; replaces proline 211 with glutamine.
Molecular consequence: missense variant.
Genome position (GRCh38, 1-based): chr2:17,766,685, C>A. VCF-style: chr2-17766685-C-A. GRCh37 (hg19) VCF-style: chr2-17947952-C-A.
Other names: c.632C>A, p.Pro211Gln (NM_182625.5); short protein forms P211Q.
Identifiers: ClinVar variation 3853520 (VCV003853520.1).

ClinVar aggregate classification (germline): Uncertain significance (1 of 4 stars; one submission).

Submission:

Ambry Genetics
Classification: Uncertain significance. Last evaluated: 2025-01-19. Review status: criteria provided, single submitter. Criteria: Ambry Variant Classification Scheme 2023. Collection method: clinical testing. Allele origin: germline.
Comment: The p.P211Q variant (also known as c.632C>A), located in coding exon 4 of the GEN1 gene, results from a C to A substitution at nucleotide position 632. The proline at codon 211 is replaced by glutamine, an amino acid with similar properties. This amino acid position is conserved. In addition, the in silico prediction for this alteration is inconclusive. Based on the available evidence, the clinical significance of this variant remains unclear.